The following is an entry in ClinVar:

NM_000543.5(SMPD1):c.1141T>C (p.Ser381Pro)

Gene: SMPD1 (sphingomyelin phosphodiesterase 1; plus strand). Cytogenetic location: 11p15.4.
Variant type: single nucleotide variant.
Coding change: c.1141T>C on transcript NM_000543.5 (MANE Select); coding-DNA position 1141, T replaced by C.
Protein change: p.Ser381Pro; replaces serine 381 with proline.
Molecular consequence: missense variant. On other transcripts: non-coding transcript variant (1), intron variant (1).
Genome position (GRCh38, 1-based): chr11:6,393,265, T>C. VCF-style: chr11-6393265-T-C. GRCh37 (hg19) VCF-style: chr11-6414495-T-C.
Other names: c.1141T>C (NM_000543.4); c.1138T>C, p.Ser380Pro (NM_001007593.3); c.1141T>C, p.Ser381Pro (NM_001318087.2); c.220T>C, p.Ser74Pro (NM_001318088.2); c.1132-352T>C (NM_001365135.2); short protein forms S381P, S74P, S380P.
Identifiers: ClinVar variation 2136988 (VCV002136988.5), dbSNP rs2493813796, ClinGen allele CA379372998.
Genomic context (GRCh38, chr11:6,393,265, plus strand): 5'-CTTTGTTTCAGAATTGGGGGGTTCTATGCTCTTTCCCCATACCCCGGTCTCCGCCTCATC[T>C]CTCTCAATATGAATTTTTGTTCCCGTGAGAACTTCTGGCTCTTGATCAACTCCACGGATC-3'
Protein context (NP_000534.3, residues 371-391): LSPYPGLRLI[Ser381Pro]LNMNFCSREN

ClinVar aggregate classification (germline): Pathogenic/Likely pathogenic. Review status: criteria provided, multiple submitters, no conflicts (2 of 4 stars). 2 submissions from 2 submitters: Pathogenic (1); Likely pathogenic (1). Last evaluated 2024-10-29.

Conditions:
Niemann-Pick disease, type A. Also called: SPHINGOMYELIN LIPIDOSIS; SPHINGOMYELINASE DEFICIENCY; Infantile Neurovisceral ASMD (Niemann-Pick Disease Type A; NPD-A). Identifiers: Orphanet 77292, MedGen C0268242, MONDO:0009756, OMIM 257200. Disease mechanism: loss of function.
Niemann-Pick disease, type B. Also called: Chronic Visceral ASMD (Niemann-Pick Disease Type B; NPD-B). Identifiers: Orphanet 77293, MedGen C0268243, MONDO:0011871, OMIM 607616. Disease mechanism: loss of function.

Submissions (2):

Natera, Inc.
Classification: Likely pathogenic for Niemann-Pick Disease, Types A/B. Last evaluated: 2024-10-29. Review status: criteria provided, single submitter. Criteria: Natera Variant Classification Schema (03/2026). Collection method: clinical testing. Allele origin: germline.
Comment: The c.1141T>C variant in SMPD1 is a missense variant predicted to cause substitution of serine to proline at amino acid 381. This variant is rare in the general population with a frequency below the threshold expected for the associated phenotype(s). This variant has been observed in one or more individuals affected with the associated recessive disease, as either homozygous or compound heterozygous with a second variant (PMID: 12369017). Computational prediction algorithms indicate this variant is likely to affect gene or protein function. Given the available evidence, this variant is classified as Likely Pathogenic.

Labcorp Genetics (formerly Invitae), Labcorp
Classification: Pathogenic for Niemann-Pick disease, type B; Niemann-Pick disease, type A. Last evaluated: 2024-03-08. Review status: criteria provided, single submitter. Criteria: Invitae Variant Classification Sherloc (09022015). Collection method: clinical testing. Allele origin: germline.
Comment: This sequence change replaces serine, which is neutral and polar, with proline, which is neutral and non-polar, at codon 381 of the SMPD1 protein (p.Ser381Pro). This variant is not present in population databases (gnomAD no frequency). This missense change has been observed in individuals with acid sphingomyelinase (ASM) deficiency (PMID: 12369017). This variant is also known as S379P. ClinVar contains an entry for this variant (Variation ID: 2136988). Advanced modeling of protein sequence and biophysical properties (such as structural, functional, and spatial information, amino acid conservation, physicochemical variation, residue mobility, and thermodynamic stability) performed at Invitae indicates that this missense variant is expected to disrupt SMPD1 protein function with a positive predictive value of 95%. This variant disrupts the p.Ser381 amino acid residue in SMPD1. Other variant(s) that disrupt this residue have been determined to be pathogenic (PMID: 12712061, 30795770). This suggests that this residue is clinically significant, and that variants that disrupt this residue are likely to be disease-causing. For these reasons, this variant has been classified as Pathogenic.

Literature cited by the submitters: PubMed 12369017 (cited by Natera, Inc. and Labcorp Genetics (formerly Invitae), Labcorp); PubMed 12712061 (cited by Labcorp Genetics (formerly Invitae), Labcorp); PubMed 30795770 (cited by Labcorp Genetics (formerly Invitae), Labcorp).